The following is an entry in ClinVar:

NM_001100913.3(PACS2):c.1577C>T (p.Ala526Val)

Gene: PACS2 (phosphofurin acidic cluster sorting protein 2; plus strand). Cytogenetic location: 14q32.33.
Variant type: single nucleotide variant.
Coding change: c.1577C>T on transcript NM_001100913.3 (MANE Select); coding-DNA position 1577, C replaced by T.
Protein change: p.Ala526Val; replaces alanine 526 with valine.
Molecular consequence: missense variant.
Genome position (GRCh38, 1-based): chr14:105,382,865, C>T. VCF-style: chr14-105382865-C-T. GRCh37 (hg19) VCF-style: chr14-105849202-C-T.
Other names: c.1577C>T (NM_001100913.2); c.1340C>T, p.Ala447Val (NM_001243127.3); c.1565C>T, p.Ala522Val (NM_015197.4); short protein forms A447V, A522V, A526V.
Identifiers: ClinVar variation 807185 (VCV000807185.49), dbSNP rs782592280, ClinGen allele CA7388871.

ClinVar aggregate classification (germline): Uncertain significance. Review status: criteria provided, multiple submitters, no conflicts (2 of 4 stars). 3 submissions from 3 submitters: Uncertain significance (3). Last evaluated 2025-11-27.

Conditions:
Inborn genetic diseases. Identifiers: MedGen C0950123, MeSH D030342.

Allele frequency attached by ClinVar (database versions not stated): gnomAD 0.00001; gnomAD exomes 0.00001; TOPMed 0.00002; ExAC 0.00003.
gnomAD v4.1: 18 of 1,607,028 alleles (0.0011%); highest among the groups gnomAD compares: African/African-American, 0.0027%; no homozygotes.

Submissions (3):

Labcorp Genetics (formerly Invitae), Labcorp
Classification: Uncertain significance. Last evaluated: 2025-11-27. Review status: criteria provided, single submitter. Criteria: Invitae Variant Classification Sherloc (09022015). Collection method: clinical testing. Allele origin: germline.
Comment: This sequence change replaces alanine, which is neutral and non-polar, with valine, which is neutral and non-polar, at codon 526 of the PACS2 protein (p.Ala526Val). The frequency data for this variant in the population databases is considered unreliable, as metrics indicate poor data quality at this position in the gnomAD database. This variant has not been reported in the literature in individuals affected with PACS2-related conditions. ClinVar contains an entry for this variant (Variation ID: 807185). Invitae Evidence Modeling of protein sequence and biophysical properties (such as structural, functional, and spatial information, amino acid conservation, physicochemical variation, residue mobility, and thermodynamic stability) indicates that this missense variant is not expected to disrupt PACS2 protein function with a negative predictive value of 80%. In summary, the available evidence is currently insufficient to determine the role of this variant in disease. Therefore, it has been classified as a Variant of Uncertain Significance.

Ambry Genetics
Classification: Uncertain significance for Inborn genetic diseases. Last evaluated: 2025-07-15. Review status: criteria provided, single submitter. Criteria: Ambry Variant Classification Scheme 2023. Collection method: clinical testing. Allele origin: germline.

CeGaT Center for Human Genetics Tuebingen
Classification: Uncertain significance. Last evaluated: 2018-04-01. Review status: criteria provided, single submitter. Criteria: CeGaT Center For Human Genetics Tuebingen Variant Classification Criteria Version 2. Collection method: clinical testing. Allele origin: germline. Affected: yes. Observed: 1 variant allele.